The following is an entry in ClinVar:

NM_007078.3(LDB3):c.1711C>A (p.His571Asn)

Gene: LDB3 (LIM domain binding 3; plus strand). Cytogenetic location: 10q23.2.
Variant type: single nucleotide variant.
Coding change: c.1711C>A on transcript NM_007078.3 (MANE Select); coding-DNA position 1711, C replaced by A.
Protein change: p.His571Asn; replaces histidine 571 with asparagine.
Molecular consequence: missense variant.
Genome position (GRCh38, 1-based): chr10:86,717,998, C>A. VCF-style: chr10-86717998-C-A. GRCh37 (hg19) VCF-style: chr10-88477755-C-A.
Other names: c.1381C>A, p.His461Asn (NM_001080114.2); c.1726C>A, p.His576Asn (NM_001171610.2); c.1522C>A, p.His508Asn (NM_001368064.1, NM_001368065.1); c.1570C>A, p.His524Asn (NM_001368066.1); short protein forms H508N, H461N, H571N, H524N, H576N.
Identifiers: ClinVar variation 1389356 (VCV001389356.6), dbSNP rs777095535, ClinGen allele CA377451908.

ClinVar aggregate classification (germline): Uncertain significance (1 of 4 stars; one submission).

Conditions:
Myofibrillar myopathy 4. Also called: Zaspopathy (type). Identifiers: Orphanet 98912, MedGen C4721886, MONDO:0012277, OMIM 609452.

gnomAD v4.1: 1 of 1,614,178 alleles (0.000062%); highest among the groups gnomAD compares: Non-Finnish European, 0.000085%; no homozygotes.

Submission:

Labcorp Genetics (formerly Invitae), Labcorp
Classification: Uncertain significance for Myofibrillar myopathy 4. Last evaluated: 2021-10-25. Review status: criteria provided, single submitter. Criteria: Invitae Variant Classification Sherloc (09022015). Collection method: clinical testing. Allele origin: germline.
Comment: The LDB3 gene has multiple clinically relevant transcripts. This variant occurs in alternate transcript NM_007078.3, and corresponds to NM_001080116.1:c.*18624C>A in the primary transcript. This sequence change replaces histidine, which is basic and polar, with asparagine, which is neutral and polar, at codon 571 of the LDB3 protein (p.His571Asn). This variant is not present in population databases (gnomAD no frequency). This variant has not been reported in the literature in individuals affected with LDB3-related conditions. Experimental studies and prediction algorithms are not available or were not evaluated, and the functional significance of this variant is currently unknown. In summary, the available evidence is currently insufficient to determine the role of this variant in disease. Therefore, it has been classified as a Variant of Uncertain Significance.